The following is an entry in ClinVar:

ClinVar aggregate classification (germline): Uncertain significance. Review status: criteria provided, multiple submitters, no conflicts (2 of 4 stars). 3 submissions from 3 submitters: Uncertain significance (3). Last evaluated 2025-05-20.

Conditions:
Hereditary cancer-predisposing syndrome. Also called: Neoplastic Syndromes, Hereditary; Tumor predisposition; Hereditary Cancer Syndrome; Hereditary neoplastic syndrome. Identifiers: Orphanet 140162, MedGen C0027672, MeSH D009386, MONDO:0015356.

Submissions (3):

Ambry Genetics
Classification: Uncertain significance for Hereditary cancer-predisposing syndrome. Last evaluated: 2025-05-20. Review status: criteria provided, single submitter. Criteria: Ambry Variant Classification Scheme 2023. Collection method: clinical testing. Allele origin: germline.
Comment: The p.F524V variant (also known as c.1570T>G), located in coding exon 15 of the POLE gene, results from a T to G substitution at nucleotide position 1570. The phenylalanine at codon 524 is replaced by valine, an amino acid with highly similar properties. This amino acid position is highly conserved in available vertebrate species. In addition, the in silico prediction for this alteration is inconclusive. Based on the available evidence, the clinical significance of this variant remains unclear.

Center for Genomic Medicine, Rigshospitalet, Copenhagen University Hospital
Classification: Uncertain significance. Last evaluated: 2025-03-04. Review status: criteria provided, single submitter. Criteria: ACMG Guidelines, 2015. Collection method: clinical testing. Allele origin: germline.

Labcorp Genetics (formerly Invitae), Labcorp
Classification: Uncertain significance. Last evaluated: 2022-06-16. Review status: criteria provided, single submitter. Criteria: Invitae Variant Classification Sherloc (09022015). Collection method: clinical testing. Allele origin: germline.
Comment: This variant is not present in population databases (gnomAD no frequency). In summary, the available evidence is currently insufficient to determine the role of this variant in disease. Therefore, it has been classified as a Variant of Uncertain Significance. Algorithms developed to predict the effect of sequence changes on RNA splicing suggest that this variant may create or strengthen a splice site. Algorithms developed to predict the effect of missense changes on protein structure and function (SIFT, PolyPhen-2, Align-GVGD) all suggest that this variant is likely to be tolerated. ClinVar contains an entry for this variant (Variation ID: 641258). This variant has not been reported in the literature in individuals affected with POLE-related conditions. This sequence change replaces phenylalanine, which is neutral and non-polar, with valine, which is neutral and non-polar, at codon 524 of the POLE protein (p.Phe524Val).

NM_006231.4(POLE):c.1570T>G (p.Phe524Val)

Gene: POLE (DNA polymerase epsilon, catalytic subunit; minus strand). Cytogenetic location: 12q24.33.
Variant type: single nucleotide variant.
Coding change: c.1570T>G on transcript NM_006231.4 (MANE Select); coding-DNA position 1570, T replaced by G.
Protein change: p.Phe524Val; replaces phenylalanine 524 with valine.
Molecular consequence: missense variant.
Genome position (GRCh38, 1-based): chr12:132,672,743, A>C on the plus strand (T>G on the coding strand, the complement: POLE is on the minus strand). VCF-style: chr12-132672743-A-C. GRCh37 (hg19) VCF-style: chr12-133249329-A-C.
Other names: c.1570T>G (NM_006231.2); short protein forms F524V.
Identifiers: ClinVar variation 641258 (VCV000641258.14), dbSNP rs1593071029, ClinGen allele CA387357018.